The following is an entry in ClinVar:

ClinVar aggregate classification (germline): Likely benign (1 of 4 stars; one submission).

Allele frequency attached by ClinVar (database versions not stated): gnomAD 0.01466 and 0.01579; 1000 Genomes Project 0.01538; 1000 Genomes Project 30x 0.01577; TOPMed 0.01660.
gnomAD v4.1: 3,797 of 1,214,164 alleles (0.31%); highest among the groups gnomAD compares: African/African-American, 5.2%; 95 homozygotes.

Submission:

GeneDx
Classification: Likely benign. Last evaluated: 2018-06-19. Review status: criteria provided, single submitter. Criteria: GeneDx Variant Classification (06012015). Collection method: clinical testing. Allele origin: germline. Affected: yes.
Comment: This variant is considered likely benign or benign based on one or more of the following criteria: it is a conservative change, it occurs at a poorly conserved position in the protein, it is predicted to be benign by multiple in silico algorithms, and/or has population frequency not consistent with disease.

NM_001105206.3(LAMA4):c.503+71C>G

Gene: LAMA4 (laminin subunit alpha 4; minus strand). Cytogenetic location: 6q21.
Variant type: single nucleotide variant.
Coding change: c.503+71C>G on transcript NM_001105206.3 (MANE Select); 71 bases into the intron after coding-DNA position 503, C replaced by G.
Molecular consequence: intron variant.
Genome position (GRCh38, 1-based): chr6:112,201,537, G>C on the plus strand (C>G on the coding strand, the complement: LAMA4 is on the minus strand). VCF-style: chr6-112201537-G-C. GRCh37 (hg19) VCF-style: chr6-112522738-G-C.
Other names: c.503+71C>G (NM_002290.5, NM_001105207.3).
Identifiers: ClinVar variation 673645 (VCV000673645.1), dbSNP rs78541224, ClinGen allele CA144888977.